The following is an entry in ClinVar:

ClinVar aggregate classification (germline): Uncertain significance (1 of 4 stars; one submission).

gnomAD v4.1: 1 of 1,613,768 alleles (0.000062%); highest among the groups gnomAD compares: Non-Finnish European, 0.000085%; no homozygotes.

Submission:

Labcorp Genetics (formerly Invitae), Labcorp
Classification: Uncertain significance. Last evaluated: 2023-07-17. Review status: criteria provided, single submitter. Criteria: Invitae Variant Classification Sherloc (09022015). Collection method: clinical testing. Allele origin: germline.
Comment: In summary, the available evidence is currently insufficient to determine the role of this variant in disease. Therefore, it has been classified as a Variant of Uncertain Significance. Advanced modeling of protein sequence and biophysical properties (such as structural, functional, and spatial information, amino acid conservation, physicochemical variation, residue mobility, and thermodynamic stability) performed at Invitae indicates that this missense variant is expected to disrupt PCDH15 protein function. ClinVar contains an entry for this variant (Variation ID: 1488885). This variant has not been reported in the literature in individuals affected with PCDH15-related conditions. This variant is not present in population databases (gnomAD no frequency). This sequence change replaces glutamic acid, which is acidic and polar, with lysine, which is basic and polar, at codon 883 of the PCDH15 protein (p.Glu883Lys).

NM_001384140.1(PCDH15):c.2647G>A (p.Glu883Lys)

Gene: PCDH15 (protocadherin related 15; minus strand). Cytogenetic location: 10q21.1.
Variant type: single nucleotide variant.
Coding change: c.2647G>A on transcript NM_001384140.1 (MANE Select); coding-DNA position 2647, G replaced by A.
Protein change: p.Glu883Lys; replaces glutamic acid 883 with lysine.
Molecular consequence: missense variant.
Genome position (GRCh38, 1-based): chr10:54,020,296, C>T on the plus strand (G>A on the coding strand, the complement: PCDH15 is on the minus strand). VCF-style: chr10-54020296-C-T. GRCh37 (hg19) VCF-style: chr10-55780056-C-T.
Other names: c.2662G>A, p.Glu888Lys (NM_001142763.2, NM_001142771.2); c.2647G>A, p.Glu883Lys (NM_001142764.2, NM_001142766.2, NM_001142770.3 and 5 more transcripts); c.2434G>A, p.Glu812Lys (NM_001142765.2); c.2536G>A, p.Glu846Lys (NM_001142767.2); c.2581G>A, p.Glu861Lys (NM_001142768.2, NM_001142773.2, NM_001354404.2); c.2683G>A, p.Glu895Lys (NM_001142769.4); c.2668G>A, p.Glu890Lys (NM_001354411.2); short protein forms E812K, E861K, E890K, E846K, E895K, E883K, E888K.
Identifiers: ClinVar variation 1488885 (VCV001488885.7), dbSNP rs2135283245, ClinGen allele CA376522297.